The following is an entry in ClinVar:

ClinVar aggregate classification (germline): Uncertain significance (1 of 4 stars; one submission).

Submission:

Labcorp Genetics (formerly Invitae), Labcorp
Classification: Uncertain significance. Last evaluated: 2025-01-06. Review status: criteria provided, single submitter. Criteria: Invitae Variant Classification Sherloc (09022015). Collection method: clinical testing. Allele origin: germline.
Comment: This sequence change replaces serine, which is neutral and polar, with arginine, which is basic and polar, at codon 303 of the SETBP1 protein (p.Ser303Arg). This variant is not present in population databases (gnomAD no frequency). This variant has not been reported in the literature in individuals affected with SETBP1-related conditions. ClinVar contains an entry for this variant (Variation ID: 1898339). Invitae Evidence Modeling of protein sequence and biophysical properties (such as structural, functional, and spatial information, amino acid conservation, physicochemical variation, residue mobility, and thermodynamic stability) indicates that this missense variant is not expected to disrupt SETBP1 protein function with a negative predictive value of 80%. In summary, the available evidence is currently insufficient to determine the role of this variant in disease. Therefore, it has been classified as a Variant of Uncertain Significance.

NM_015559.3(SETBP1):c.909C>A (p.Ser303Arg)

Gene: SETBP1 (SET binding protein 1; plus strand). Cytogenetic location: 18q12.3.
Variant type: single nucleotide variant.
Coding change: c.909C>A on transcript NM_015559.3 (MANE Select); coding-DNA position 909, C replaced by A.
Protein change: p.Ser303Arg; replaces serine 303 with arginine.
Molecular consequence: missense variant.
Genome position (GRCh38, 1-based): chr18:44,950,249, C>A. VCF-style: chr18-44950249-C-A. GRCh37 (hg19) VCF-style: chr18-42530214-C-A.
Other names: c.909C>A, p.Ser303Arg (NM_001379141.1, NM_001379142.1, NM_001410862.1); short protein forms S303R.
Identifiers: ClinVar variation 1898339 (VCV001898339.5), dbSNP rs2511465572, ClinGen allele CA402317093.